The following is an entry in ClinVar:

ClinVar aggregate classification (germline): Conflicting classifications of pathogenicity. Review status: criteria provided, conflicting classifications (1 of 4 stars). 10 submissions from 10 submitters: Pathogenic (2); Likely pathogenic (5); Uncertain significance (1). 2 of the submissions do not count toward it. Last evaluated 2025-06-18.

Conditions:
UMOD-related disorder. Also called: UMOD-related condition.
Familial juvenile hyperuricemic nephropathy type 1 (ADTKD1). Also called: UMOD-Associated Kidney Disease; Uromodulin-associated kidney disease; Autosomal Dominant Tubulointerstitial Kidney Disease – UMOD; Glomerulocystic kidney disease with hyperuricemia and isosthenuria; Medullary cystic kidney disease 2. Identifiers: Orphanet 209886, Orphanet 34149, Orphanet 88950, MedGen C4551496, MONDO:0008073, OMIM 162000.

Allele frequency attached by ClinVar (database versions not stated): gnomAD exomes below 0.00001 and 0.00001; gnomAD 0.00001; TOPMed 0.00001; ExAC 0.00004.

Submissions (10):

Labcorp Genetics (formerly Invitae), Labcorp
Classification: Pathogenic. Last evaluated: 2025-06-18. Review status: criteria provided, single submitter. Criteria: Invitae Variant Classification Sherloc (09022015). Collection method: clinical testing. Allele origin: germline.
Comment: This sequence change replaces cysteine, which is neutral and slightly polar, with phenylalanine, which is neutral and non-polar, at codon 106 of the UMOD protein (p.Cys106Phe). The frequency data for this variant in the population databases is considered unreliable, as metrics indicate poor data quality at this position in the gnomAD database. This missense change has been observed in individuals with autosomal dominant tubulointerstitial kidney disease (PMID: 32450155). ClinVar contains an entry for this variant (Variation ID: 94129). Invitae Evidence Modeling of protein sequence and biophysical properties (such as structural, functional, and spatial information, amino acid conservation, physicochemical variation, residue mobility, and thermodynamic stability) indicates that this missense variant is expected to disrupt UMOD protein function with a positive predictive value of 95%. Experimental studies have shown that this missense change affects UMOD function (PMID: 32926855). This variant disrupts the p.Cys106 amino acid residue in UMOD. Other variant(s) that disrupt this residue have been observed in individuals with UMOD-related conditions (PMID: 32450155), which suggests that this may be a clinically significant amino acid residue. For these reasons, this variant has been classified as Pathogenic.

GeneDx
Classification: Likely pathogenic. Last evaluated: 2025-05-23. Review status: criteria provided, single submitter. Criteria: GeneDx Variant Classification Process June 2021. Collection method: clinical testing. Allele origin: germline. Affected: yes.
Comment: Published functional studies suggest abnormal protein folding and aggregation (PMID: 32926855); Not observed at significant frequency in large population cohorts (gnomAD); In silico analysis supports that this missense variant has a deleterious effect on protein structure/function; This variant is associated with the following publications: (PMID: 32926855, 30099615, 31447099, 32954071, 34746741, 32450155, 35947615, 30586318, 36140271, 31308072, 29212948, 32274456)

PreventionGenetics, part of Exact Sciences
Classification: Likely pathogenic for UMOD-related condition. Last evaluated: 2023-05-22. Review status: criteria provided, single submitter. Criteria: ACMG Guidelines, 2015. Collection method: clinical testing. Allele origin: germline.
Comment: The UMOD c.317G>T variant is predicted to result in the amino acid substitution p.Cys106Phe. This variant has been reported in multiple individuals with tubulointerstitial kidney disease (Devuyst et al. 2017. PubMed ID: 28781372; Kim et al. 2017. PubMed ID: 29212948; Table S7, Groopman et al. 2018. PubMed ID: 30586318; Chun et al. 2020. PubMed ID: 32274456; Olinger et al. 2020. PubMed ID: 32450155; Kidd et al. 2020. PubMed ID: 32954071). Functional studies using a mouse model showed that this variant results in autoantibodies against aggregated misfolded protein with immune complex formation and kidney fibrosis (Plotkin et al. 2020. PubMed ID: 32926855). This variant is reported in 0.0026% of alleles in individuals of European (Non-Finnish) descent in gnomAD. This variant is interpreted as likely pathogenic.

Blueprint Genetics
Classification: Pathogenic for UMOD-related disorders. Last evaluated: 2021-08-24. Review status: criteria provided, single submitter. Criteria: ACMG Guidelines, 2015. Collection method: clinical testing. Allele origin: germline. Affected: yes. Observed: 3 variant alleles.

Fulgent Genetics
Classification: Likely pathogenic for Familial juvenile hyperuricemic nephropathy type 1. Last evaluated: 2021-06-30. Review status: criteria provided, single submitter. Criteria: ACMG Guidelines, 2015. Collection method: clinical testing. Allele origin: unknown.
Comment: This variant has been detected in individual(s) who were sent for testing of Renasight - kidney gene panel.

Johns Hopkins Genomics, Johns Hopkins University
Classification: Likely pathogenic for Familial juvenile hyperuricemic nephropathy type 1. Last evaluated: 2021-01-14. Review status: criteria provided, single submitter. Criteria: ACMG Guidelines, 2015. Collection method: clinical testing. Allele origin: germline.
Comment: This UMOD variant has been reported in individuals presenting with autosomal dominant tubulointerstitial kidney disease as well as a less common presentation including hematuria, proteinuria, and glomerular and interstitial inflammation. Cys106 is located in the EGF-like domain II, where a cluster of variants associated with kidney disease are reported. A functional study using a mouse homolog of the UMOD p.Cys106Phe variant suggests that misfolded and aggregated uromodulin engages the kidney's immune system, resulting in auto-antibody and immune complex formation. This variant (rs398123697) is rare (<0.1%) in a large population dataset (gnomAD: 2/184308 total alleles; 0.001%; no homozygotes). A bioinformatic tool queried predicts that this substitution would be damaging, and the cysteine residue at this position is highly evolutionarily conserved across most species assessed. This variant has been reported in ClinVar. We consider this variant to be likely pathogenic.

Human Genome Sequencing Center Clinical Lab, Baylor College of Medicine
Classification: Likely pathogenic for Familial juvenile hyperuricemic nephropathy 1. Last evaluated: 2018-10-19. Review status: criteria provided, single submitter. Criteria: ACMG Guidelines, 2015. Collection method: clinical testing. Allele origin: germline.
Comment: The c.317G>T (p.Cys106Phe) variant in the UMOD gene has been reported in two patients affected with autosomal dominant tubulointerstitial kidney disease (ADTKD, PMID 29212948). This variant has never been reported in general population databases and is located in a region where most of the variants associated with kidney disease are reported (PMID 28781372). Two variants in the same codon, p.Cys106Gly and p.Cys106Tyr have also been in reported to associate with ADTKD (PMID 28781372, 20172860) . Therefore, we classify this c.317G>T (p.Cys106Phe) variant in the UMOD gene as likely pathogenic.

Eurofins Ntd Llc (ga)
Classification: Uncertain significance. Last evaluated: 2012-08-21. Review status: criteria provided, single submitter. Criteria: EGL Classification Definitions 2015. Collection method: clinical testing. Allele origin: germline. Observed: 1 variant allele, 1 heterozygote.

Gharavi Laboratory, Columbia University
Classification: Likely pathogenic. Last evaluated: 2018-09-16. Review status: no assertion criteria provided. Criteria: ACMG Guidelines, 2015. Collection method: research. Allele origin: germline. Affected: yes. Not counted in ClinVar's aggregate classification.

GeneReviews
No classification provided. Condition: Familial juvenile hyperuricemic nephropathy type 1. Review status: no classification provided. Collection method: literature only. Allele origin: germline. Not counted in ClinVar's aggregate classification.
Comment: Common pathogenic variant, possible association with Later onset of ESRD

Literature cited by the submitters: PubMed 32450155 (cited by Labcorp Genetics (formerly Invitae), Labcorp); PubMed 32926855 (cited by Labcorp Genetics (formerly Invitae), Labcorp and Johns Hopkins Genomics, Johns Hopkins University); PubMed 28781372 (cited by Johns Hopkins Genomics, Johns Hopkins University); PubMed 29212948 (cited by Johns Hopkins Genomics, Johns Hopkins University); PubMed 32274456 (cited by Johns Hopkins Genomics, Johns Hopkins University); PubMed 32954071 (cited by GeneReviews).

NM_003361.4(UMOD):c.317G>T (p.Cys106Phe)

Gene: UMOD (uromodulin; minus strand). Cytogenetic location: 16p12.3.
Variant type: single nucleotide variant.
Coding change: c.317G>T on transcript NM_003361.4 (MANE Select); coding-DNA position 317, G replaced by T.
Protein change: p.Cys106Phe; replaces cysteine 106 with phenylalanine.
Molecular consequence: missense variant. On other transcripts: non-coding transcript variant (1).
Genome position (GRCh38, 1-based): chr16:20,348,984, C>A on the plus strand (G>T on the coding strand, the complement: UMOD is on the minus strand). VCF-style: chr16-20348984-C-A. GRCh37 (hg19) VCF-style: chr16-20360306-C-A.
Other names: c.317G>T, p.Cys106Phe (NM_001008389.3, NM_001378232.1, NM_001378233.1 and 3 more transcripts); c.416G>T, p.Cys139Phe (NM_001278614.2); short protein forms C106F, C139F.
Identifiers: ClinVar variation 94129 (VCV000094129.27), dbSNP rs398123697, ClinGen allele CA221976.